The following is an entry in ClinVar:

NM_001368894.2(PAX6):c.1043G>C (p.Ser348Thr)

Gene: PAX6 (paired box 6; minus strand). Cytogenetic location: 11p13.
Variant type: single nucleotide variant.
Coding change: c.1043G>C on transcript NM_001368894.2 (MANE Select); coding-DNA position 1043, G replaced by C.
Protein change: p.Ser348Thr; replaces serine 348 with threonine.
Molecular consequence: missense variant. On other transcripts: non-coding transcript variant (2).
Genome position (GRCh38, 1-based): chr11:31,793,469, C>G on the plus strand (G>C on the coding strand, the complement: PAX6 is on the minus strand). VCF-style: chr11-31793469-C-G. GRCh37 (hg19) VCF-style: chr11-31815017-C-G.
Other names: c.1001G>C, p.Ser334Thr (NM_000280.6, NM_001127612.3, NM_001368889.2 and 10 more transcripts); c.1043G>C, p.Ser348Thr (NM_001368892.2, NM_001368893.2, NM_001368912.2 and 6 more transcripts); c.593G>C, p.Ser198Thr (NM_001368899.2, NM_001368900.2, NM_001368901.2 and 11 more transcripts); c.1118G>C, p.Ser373Thr (NM_001368918.2, NM_001368919.2); c.1076G>C, p.Ser359Thr (NM_001368920.2); c.842G>C, p.Ser281Thr (NM_001368921.2, NM_001368922.2, NM_001368923.2 and 4 more transcripts); c.800G>C, p.Ser267Thr (NM_001368928.2); c.398G>C, p.Ser133Thr (NM_001368930.2); and 2 more; short protein forms S349T, S359T, S373T, S415T, S133T, S198T, S267T, S281T.
Identifiers: ClinVar variation 1525797 (VCV001525797.8), dbSNP rs749992296, ClinGen allele CA5933745.

ClinVar aggregate classification (germline): Uncertain significance. Review status: criteria provided, multiple submitters, no conflicts (2 of 4 stars). 2 submissions from 2 submitters: Uncertain significance (2). Last evaluated 2025-09-07.

Conditions:
Aniridia 1 (AN1). Identifiers: Orphanet 250923, MedGen C0344542, MONDO:0024507, OMIM 106210.
Irido-corneo-trabecular dysgenesis (ASGD5). Also called: ANTERIOR SEGMENT DYSGENESIS 5. Identifiers: Orphanet 708, MedGen C0344559, MONDO:0011414, OMIM 604229, HP:0000659.

Allele frequency attached by ClinVar (database versions not stated): gnomAD exomes below 0.00001 and 0.00002; ExAC 0.00001; gnomAD 0.00001.
gnomAD v4.1: 8 of 1,614,104 alleles (0.0005%); highest among the groups gnomAD compares: Admixed American, 0.01%; no homozygotes.

Submissions (2):

Dasa
Classification: Uncertain significance. Last evaluated: 2025-09-07. Review status: criteria provided, single submitter. Criteria: DASA Assertion Criteria. Collection method: clinical testing. Allele origin: germline.
Comment: NM_001368894.2(PAX6):c.1043G>C (p.Ser348Thr) is a missense variant that results in the substitution of serine with threonine. This variant is rare in population databases. The currently available literature and clinical evidence are not sufficient to establish a definitive association between this variant and the reported condition. Therefore, this variant is classified as a variant of uncertain significance.

Labcorp Genetics (formerly Invitae), Labcorp
Classification: Uncertain significance for Aniridia 1; Irido-corneo-trabecular dysgenesis. Last evaluated: 2025-03-04. Review status: criteria provided, single submitter. Criteria: Invitae Variant Classification Sherloc (09022015). Collection method: clinical testing. Allele origin: germline.
Comment: This sequence change replaces serine, which is neutral and polar, with threonine, which is neutral and polar, at codon 334 of the PAX6 protein (p.Ser334Thr). This variant is present in population databases (rs749992296, gnomAD 0.01%). This variant has not been reported in the literature in individuals affected with PAX6-related conditions. ClinVar contains an entry for this variant (Variation ID: 1525797). Invitae Evidence Modeling of protein sequence and biophysical properties (such as structural, functional, and spatial information, amino acid conservation, physicochemical variation, residue mobility, and thermodynamic stability) indicates that this missense variant is not expected to disrupt PAX6 protein function with a negative predictive value of 80%. In summary, the available evidence is currently insufficient to determine the role of this variant in disease. Therefore, it has been classified as a Variant of Uncertain Significance.